The following is an entry in ClinVar:

NM_002439.5(MSH3):c.1653+2_1653+3delinsGT

Gene: MSH3 (mutS homolog 3; plus strand). Cytogenetic location: 5q14.1.
Variant type: Indel.
Coding change: c.1653+2_1653+3delinsGT on transcript NM_002439.5 (MANE Select); the canonical splice donor site of the intron after coding-DNA position 1653 through 3 bases into the intron after coding-DNA position 1653, TC replaced by GT.
Molecular consequence: splice donor variant.
Genome position (GRCh38, 1-based): chr5:80,741,550-80,741,551, TC replaced by GT. VCF-style: chr5-80741550-TC-GT. GRCh37 (hg19) VCF-style: chr5-80037369-TC-GT.
Identifiers: ClinVar variation 2673493 (VCV002673493.1), dbSNP rs2546760511, ClinGen allele CA2695198663.

ClinVar aggregate classification (germline): Likely pathogenic (1 of 4 stars; one submission).

Conditions:
Familial adenomatous polyposis 4 (FAP4). Also called: MSH3-related attenuated familial adenomatous polyposis. Identifiers: Orphanet 480536, MedGen C4310719, MONDO:0044300, OMIM 617100.

Submission:

Myriad Genetics, Inc.
Classification: Likely pathogenic for Familial adenomatous polyposis 4. Last evaluated: 2023-08-30. Review status: criteria provided, single submitter. Criteria: Myriad Autosomal Dominant, Autosomal Recessive and X-Linked Classification Criteria (2023). Collection method: clinical testing. Allele origin: unknown.
Comment: This variant is considered likely pathogenic. This variant occurs within a consensus splice junction and is predicted to result in abnormal mRNA splicing of either an out-of-frame exon or an in-frame exon necessary for protein stability and/or normal function.